The following is an entry in ClinVar:

ClinVar aggregate classification (germline): Uncertain significance (1 of 4 stars; one submission).

Conditions:
PCNT-related disorder. Also called: PCNT-related condition.

gnomAD v4.1: 2 of 1,610,340 alleles (0.00012%); highest among the groups gnomAD compares: Admixed American, 0.0033%; no homozygotes.

Submission:

PreventionGenetics, part of Exact Sciences
Classification: Uncertain significance for PCNT-related condition. Last evaluated: 2022-09-08. Review status: criteria provided, single submitter. Criteria: ACMG Guidelines, 2015. Collection method: clinical testing. Allele origin: germline.
Comment: The PCNT c.6125G>T variant is predicted to result in the amino acid substitution p.Arg2042Leu. To our knowledge, this variant has not been reported in the literature. This variant is reported in 0.0058% of alleles in individuals of Latino descent in gnomAD. At this time, the clinical significance of this variant is uncertain due to the absence of conclusive functional and genetic evidence.

NM_006031.6(PCNT):c.6125G>T (p.Arg2042Leu)

Gene: PCNT (pericentrin; plus strand). Cytogenetic location: 21q22.3.
Variant type: single nucleotide variant.
Coding change: c.6125G>T on transcript NM_006031.6 (MANE Select); coding-DNA position 6125, G replaced by T.
Protein change: p.Arg2042Leu; replaces arginine 2042 with leucine.
Molecular consequence: missense variant.
Genome position (GRCh38, 1-based): chr21:46,412,967, G>T. VCF-style: chr21-46412967-G-T. GRCh37 (hg19) VCF-style: chr21-47832881-G-T.
Other names: c.5771G>T, p.Arg1924Leu (NM_001315529.2); short protein forms R1924L, R2042L.
Identifiers: ClinVar variation 2635741 (VCV002635741.1), dbSNP rs149264703, ClinGen allele CA410559035.